The following is an entry in ClinVar:

NM_000152.5(GAA):c.1445C>T (p.Pro482Leu)

Gene: GAA (alpha glucosidase; plus strand). Cytogenetic location: 17q25.3.
Variant type: single nucleotide variant.
Coding change: c.1445C>T on transcript NM_000152.5 (MANE Select); coding-DNA position 1445, C replaced by T.
Protein change: p.Pro482Leu; replaces proline 482 with leucine.
Molecular consequence: missense variant.
Genome position (GRCh38, 1-based): chr17:80,110,734, C>T. VCF-style: chr17-80110734-C-T. GRCh37 (hg19) VCF-style: chr17-78084533-C-T.
Other names: NM_000152.5(GAA):c.1445C>T; p.Pro482Leu; c.1445C>T, p.Pro482Leu (NM_001079803.3, NM_001079804.3); c.1445C>T (NM_000152.4, NM_000152.3); short protein forms P482L.
Identifiers: ClinVar variation 982297 (VCV000982297.22), dbSNP rs2039212985, ClinGen allele CA401366796.

ClinVar aggregate classification (germline): Likely pathogenic. Review status: reviewed by expert panel (3 of 4 stars). 10 submissions from 10 submitters: Likely pathogenic (1). 9 of the submissions do not count toward it. Last evaluated 2025-10-28.

Conditions:
Glycogen storage disease, type II (IOPD). Also called: Glycogen storage disease type 2; Acid maltase deficiency disease; Aglucosidase alfa; Deficiency of alpha-glucosidase; Deficiency of lysosomal alpha-glucosidase; Glucosidase acid-1,4-alpha deficiency. Identifiers: Orphanet 365, MedGen C0017921, MONDO:0009290, OMIM 232300.

Allele frequency attached by ClinVar (database versions not stated): gnomAD exomes below 0.00001.
gnomAD v4.1: 1 of 1,613,934 alleles (0.000062%); highest among the groups gnomAD compares: Non-Finnish European, 0.000085%; no homozygotes.

Submissions (10):

ClinGen Lysosomal Storage Disorder Variant Curation Expert Panel
Classification: Likely pathogenic for Glycogen storage disease, type II. Last evaluated: 2025-10-28. Review status: reviewed by expert panel. Criteria: clingen_lsd_acmg_specifications_v2-1. Collection method: curation. Allele origin: germline. Inheritance: Autosomal recessive inheritance.
Comment: The NM_000152.5:c.1445C>T variant in GAA is a missense variant predicted to cause substitution of proline by leucine at amino acid 482 (p.Pro482Leu). At least 5 patient(s) with this variant had documented GAA deficiency with <10% of normal mean control level of GAA activity in leukocytes, activity in the affected range in muscle, cultured skin fibroblasts, leukocytes, lymphocytes, whole blood or dried blood spot, or were noted to have deficient GAA activity but results were not provided (PMID: 17616415, 31086307, 34530085, 33741225, 31931849) (PP4_Moderate). This variant has been detected in at least 6 individuals with Pompe disease. Of those individuals, 4 were compound heterozygous for the variant and another variant in GAA that has been classified as pathogenic for Pompe disease by the ClinGen LD VCEP. The phase is unconfirmed in all cases. The second variant includes c.1674_1675delTG (ClinVar Variation ID: 1397833) (PMID: 38958145, 0.5 points), c.258dup (ClinVar Variation ID: 282842) (PMID: 31931849, 0.5 points), c.1210G>A (p.Asp404Asn) (ClinVar Variation ID: 657348) (PMID: 31086307, 0.5 points), and c.343C>T (p.Gln115Ter) (ClinVar Variation ID: 188996) (PMID: 17616415, 0.5 points). Two individuals from different geographical areas were homozygous for the variant (2 x 0.5 pt) (PMID: 33741225, 38958145). Total 3 points (PM3_Strong). The highest population minor allele frequency in gnomAD v4.1.0. is 8.475e-7 (1/1179992 alleles) in the non-Finnish European population. which is lower than the ClinGen Lysosomal Diseases VCEP’s threshold for PM2_Supporting (<0.001), meeting this criterion (PM2_Supporting). The computational predictor REVEL gives a score of 0.918 which is above the threshold of 0.7, evidence that correlates with impact to GAA function (PP3). Another missense variant c.1445C>G (p.Pro482Arg) (PMID: 31392188, 22644586, ClinVar Variation ID 1067574) in the same codon has been classified as likely pathogenic for Pompe disease by the ClinGen LD VCEP (PM5_Supporting). There is a ClinVar entry for this variant (Variation ID: 982297). In summary, this variant meets the criteria to be classified as Likely Pathogenic for Pompe disease. GAA-specific ACMG/AMP criteria met, based on the specifications of the ClinGen LD VCEP (Specifications Version 2.0): PM3_Strong, PP4_Moderate, PP3, PM2_Supporting, PM5_Supporting. (Classification approved by the ClinGen Lysosomal Diseases Variant Curation Expert Panel on October 28, 2025).

Genomenon, Inc
Classification: Likely pathogenic for Glycogen storage disease, type II. Last evaluated: 2026-07-01. Review status: criteria provided, single submitter. Criteria: Genomenon Sequence Variant Interpretation Standards - Updated. Collection method: curation. Allele origin: germline. Affected: yes. Not counted in ClinVar's aggregate classification.
Comment: GAA p.Pro482Leu (c.1445C>T) is a missense variant that changes the amino acid at codon 482 from Proline to Leucine. This variant has been observed in at least one proband with a GAA-related disorder in the compound heterozygous and/or homozygous state (PMID:38958145;33741225;31086307;17041744;31931849). It is absent or not present at a significant frequency in gnomAD. In silico models predict that this variant is possibly or probably damaging. In conclusion, we classify GAA p.Pro482Leu (c.1445C>T) as a likely pathogenic variant.

Labcorp Genetics (formerly Invitae), Labcorp
Classification: Pathogenic for Glycogen storage disease, type II. Last evaluated: 2025-09-22. Review status: criteria provided, single submitter. Criteria: Invitae Variant Classification Sherloc (09022015). Collection method: clinical testing. Allele origin: germline. Not counted in ClinVar's aggregate classification.
Comment: This sequence change replaces proline, which is neutral and non-polar, with leucine, which is neutral and non-polar, at codon 482 of the GAA protein (p.Pro482Leu). This variant is not present in population databases (gnomAD no frequency). This missense change has been observed in individual(s) with Pompe disease (PMID: 17616415, 31086307). ClinVar contains an entry for this variant (Variation ID: 982297). Invitae Evidence Modeling of protein sequence and biophysical properties (such as structural, functional, and spatial information, amino acid conservation, physicochemical variation, residue mobility, and thermodynamic stability) indicates that this missense variant is expected to disrupt GAA protein function with a positive predictive value of 95%. This variant disrupts the p.Pro482 amino acid residue in GAA. Other variant(s) that disrupt this residue have been determined to be pathogenic (PMID: 18425781, 29122469, 31392188; internal data). This suggests that this residue is clinically significant, and that variants that disrupt this residue are likely to be disease-causing. For these reasons, this variant has been classified as Pathogenic.

GeneDx
Classification: Pathogenic. Last evaluated: 2025-02-12. Review status: criteria provided, single submitter. Criteria: GeneDx Variant Classification Process June 2021. Collection method: clinical testing. Allele origin: germline. Affected: yes. Not counted in ClinVar's aggregate classification.
Comment: Not observed at significant frequency in large population cohorts (gnomAD); In silico analysis supports that this missense variant has a deleterious effect on protein structure/function; This variant is associated with the following publications: (PMID: 39155212, 39227307, 19343043, 22253258, 33741225, 17616415, 38087756, 38958145, 35880963, 34530085, 31931849, 31086307)

Fulgent Genetics
Classification: Likely pathogenic for Glycogen storage disease, type II. Last evaluated: 2024-05-23. Review status: criteria provided, single submitter. Criteria: ACMG Guidelines, 2015. Collection method: clinical testing. Allele origin: germline. Not counted in ClinVar's aggregate classification.

Women's Health and Genetics/Laboratory Corporation of America, LabCorp
Classification: Pathogenic for Glycogen storage disease, type II. Last evaluated: 2024-05-22. Review status: criteria provided, single submitter. Criteria: LabCorp Variant Classification Summary - May 2015. Collection method: clinical testing. Allele origin: germline. Not counted in ClinVar's aggregate classification.
Comment: Variant summary: GAA c.1445C>T (p.Pro482Leu) results in a non-conservative amino acid change located in the Glycoside hydrolase family 31, TIM barrel domain (IPR000322) of the encoded protein sequence. Five of five in-silico tools predict a damaging effect of the variant on protein function. The variant was absent in 250910 control chromosomes. c.1445C>T has been reported in the literature in multiple individuals affected with Glycogen Storage Disease, Type 2 (Pompe Disease) in the homozygous or compound heterozygous state (Aminoso_2022, Bevilacqua_2020, Gort_2007, Kishnani_2019, Puri_2021). These data indicate that the variant is very likely to be associated with disease. The following publications have been ascertained in the context of this evaluation (PMID: 34530085, 31931849, 17616415, 31086307, 33741225). ClinVar contains an entry for this variant (Variation ID: 982297). Based on the evidence outlined above, the variant was classified as pathogenic.

Natera, Inc.
Classification: Likely pathogenic for Glycogen storage disease type II. Last evaluated: 2024-04-10. Review status: criteria provided, single submitter. Criteria: Natera Variant Classification Schema (03/2026). Collection method: clinical testing. Allele origin: germline. Not counted in ClinVar's aggregate classification.
Comment: The c.1445C>T variant in GAA is a missense variant predicted to cause substitution of proline to leucine at amino acid 482. This variant is rare in the general population with a frequency below the threshold expected for the associated phenotype(s). This variant has been observed in one or more individuals affected with the associated recessive disease, as either homozygous or compound heterozygous with a second variant (PMID: 31931849). Computational prediction algorithms indicate this variant is likely to affect gene or protein function. Given the available evidence, this variant is classified as Likely Pathogenic.

Revvity Omics, Revvity
Classification: Pathogenic. Last evaluated: 2022-10-12. Review status: criteria provided, single submitter. Criteria: ACMG Guidelines, 2015. Collection method: clinical testing. Allele origin: germline. Not counted in ClinVar's aggregate classification.

Myriad Genetics, Inc.
Classification: Likely pathogenic for Glycogen storage disease, type II. Last evaluated: 2021-11-16. Review status: criteria provided, single submitter. Criteria: Myriad Women's Health Autosomal Recessive and X-Linked Classification Criteria (2021). Collection method: clinical testing. Allele origin: unknown. Not counted in ClinVar's aggregate classification.
Comment: NM_000152.3(GAA):c.1445C>T(P482L) is a missense variant classified as likely pathogenic in the context of Pompe disease. P482L has been observed in cases with relevant disease (PMID: 31931849, 31086307, 17616415, 33741225, Cerón-Rodríguez_2014_(no PMID; article)). Functional assessments of this variant are not available in the literature. P482L has not been observed in population frequency databases. In summary, NM_000152.3(GAA):c.1445C>T(P482L) is a missense variant that has been observed more frequently in cases with the relevant disease than in healthy populations. Please note: this variant was assessed in the context of healthy population screening.

Institute of Medical Genetics and Genomics, Sir Ganga Ram Hospital
Classification: Pathogenic for Glycogen storage disease, type II. Last evaluated: 2020-10-15. Review status: criteria provided, single submitter. Criteria: ACMG Guidelines, 2015. Collection method: clinical testing. Allele origin: germline. Inheritance: Autosomal recessive inheritance. Affected: yes. Observed: 1 homozygote. Not counted in ClinVar's aggregate classification.
Comment: The variant c.1445C>T has been reported in Gort et. al. 2007 PMID: 17616415

Literature cited by the submitters: PubMed 38958145 (cited by Genomenon, Inc); PubMed 33741225 (cited by 3 submitters); PubMed 31086307 (cited by 4 submitters); PubMed 17041744 (cited by Genomenon, Inc); PubMed 31931849 (cited by 4 submitters); PubMed 17616415 (cited by 3 submitters); PubMed 18425781 (cited by Labcorp Genetics (formerly Invitae), Labcorp); PubMed 29122469 (cited by Labcorp Genetics (formerly Invitae), Labcorp); PubMed 31392188 (cited by Labcorp Genetics (formerly Invitae), Labcorp); PubMed 34530085 (cited by Women's Health and Genetics/Laboratory Corporation of America, LabCorp).